The following is an entry in ClinVar:

NM_001291415.2(KDM6A):c.1043A>T (p.Asp348Val)

Gene: KDM6A (lysine demethylase 6A; plus strand). Cytogenetic location: Xp11.3.
Variant type: single nucleotide variant.
Coding change: c.1043A>T on transcript NM_001291415.2 (MANE Select); coding-DNA position 1043, A replaced by T.
Protein change: p.Asp348Val; replaces aspartic acid 348 with valine.
Molecular consequence: missense variant. On other transcripts: non-coding transcript variant (1).
Genome position (GRCh38, 1-based): chrX:45,059,315, A>T. VCF-style: chrX-45059315-A-T. GRCh37 (hg19) VCF-style: chrX-44918560-A-T.
Other names: c.1043A>T, p.Asp348Val (NM_001291416.2, NM_001291417.2, NM_001291418.2 and 2 more transcripts); c.290A>T, p.Asp97Val (NM_001291421.2); short protein forms D348V, D97V.
Identifiers: ClinVar variation 1981585 (VCV001981585.4), dbSNP rs1397939870, ClinGen allele CA412782291.

ClinVar aggregate classification (germline): Uncertain significance (1 of 4 stars; one submission).

Conditions:
Kabuki syndrome 2 (KABUK2). Also called: KDM6A-Related Kabuki Syndrome. Identifiers: Orphanet 2322, MedGen C3275495, MONDO:0010465, OMIM 300867.

Allele frequency attached by ClinVar (database versions not stated): gnomAD exomes below 0.00001; gnomAD 0.00001; TOPMed 0.00001.
gnomAD v4.1: 4 of 1,209,118 alleles (0.00033%); highest among the groups gnomAD compares: Non-Finnish European, 0.00045%; no homozygotes.

Submission:

Labcorp Genetics (formerly Invitae), Labcorp
Classification: Uncertain significance for Kabuki syndrome 2. Last evaluated: 2024-07-29. Review status: criteria provided, single submitter. Criteria: Invitae Variant Classification Sherloc (09022015). Collection method: clinical testing. Allele origin: germline.
Comment: This sequence change replaces aspartic acid, which is acidic and polar, with valine, which is neutral and non-polar, at codon 348 of the KDM6A protein (p.Asp348Val). This variant is present in population databases (no rsID available, gnomAD 0.002%), including at least one homozygous and/or hemizygous individual. This variant has not been reported in the literature in individuals affected with KDM6A-related conditions. ClinVar contains an entry for this variant (Variation ID: 1981585). Advanced modeling of protein sequence and biophysical properties (such as structural, functional, and spatial information, amino acid conservation, physicochemical variation, residue mobility, and thermodynamic stability) performed at Invitae indicates that this missense variant is not expected to disrupt KDM6A protein function with a negative predictive value of 80%. In summary, the available evidence is currently insufficient to determine the role of this variant in disease. Therefore, it has been classified as a Variant of Uncertain Significance.